The following is an entry in ClinVar:

NM_000112.4(SLC26A2):c.1786A>G (p.Lys596Glu)

Gene: SLC26A2 (solute carrier family 26 member 2; plus strand). Cytogenetic location: 5q32.
Variant type: single nucleotide variant.
Coding change: c.1786A>G on transcript NM_000112.4 (MANE Select); coding-DNA position 1786, A replaced by G.
Protein change: p.Lys596Glu; replaces lysine 596 with glutamic acid.
Molecular consequence: missense variant.
Genome position (GRCh38, 1-based): chr5:149,981,379, A>G. VCF-style: chr5-149981379-A-G. GRCh37 (hg19) VCF-style: chr5-149360942-A-G.
Other names: short protein forms K596E.
Identifiers: ClinVar variation 903979 (VCV000903979.5), dbSNP rs1387357203, ClinGen allele CA361708784.

ClinVar aggregate classification (germline): Uncertain significance. Review status: criteria provided, multiple submitters, no conflicts (2 of 4 stars). 6 submissions from 2 submitters: Uncertain significance (6). Last evaluated 2022-06-25.

Conditions:
Achondrogenesis, type IB (ACG1B). Also called: Achondrogenesis Type 1B. Identifiers: Orphanet 932, Orphanet 93298, MedGen C0265274, MONDO:0010966, OMIM 600972.
Diastrophic dysplasia (DTD). Also called: Diastrophic dwarfism. Identifiers: Orphanet 628, MedGen C0220726, MONDO:0009107, OMIM 222600.
Atelosteogenesis type II (AO2). Also called: Neonatal osseous dysplasia 1; NEONATAL OSSEOUS DYSPLASIA I; SLC26A2-Related Atelosteogenesis. Identifiers: Orphanet 56304, MedGen C1850554, MONDO:0009727, OMIM 256050.
Multiple epiphyseal dysplasia type 4 (EDM4). Also called: SLC26A2-Related Multiple Epiphyseal Dysplasia; MULTIPLE EPIPHYSEAL DYSPLASIA WITH BILAYERED PATELLAE; MULTIPLE EPIPHYSEAL DYSPLASIA WITH CLUBFOOT; MULTIPLE EPIPHYSEAL DYSPLASIA, AUTOSOMAL RECESSIVE; Multiple Epiphyseal Dysplasia, Recessive. Identifiers: Orphanet 93307, MedGen C1847593, MONDO:0009189, OMIM 226900.
Sulfate transporter-related osteochondrodysplasia. Also called: DTDST-related dysplasias. Identifiers: MedGen CN120497. Disease mechanism: loss of function.

Allele frequency attached by ClinVar (database versions not stated): gnomAD 0.00001; gnomAD exomes 0.00001.
gnomAD v4.1: 11 of 1,614,024 alleles (0.00068%); highest among the groups gnomAD compares: Non-Finnish European, 0.000085%; no homozygotes.

Submissions (6):

Labcorp Genetics (formerly Invitae), Labcorp
Classification: Uncertain significance for Atelosteogenesis type II; Multiple epiphyseal dysplasia type 4; Achondrogenesis, type IB; Diastrophic dysplasia. Last evaluated: 2022-06-25. Review status: criteria provided, single submitter. Criteria: Invitae Variant Classification Sherloc (09022015). Collection method: clinical testing. Allele origin: germline.
Comment: This sequence change replaces lysine, which is basic and polar, with glutamic acid, which is acidic and polar, at codon 596 of the SLC26A2 protein (p.Lys596Glu). This variant is present in population databases (no rsID available, gnomAD 0.01%). This variant has not been reported in the literature in individuals affected with SLC26A2-related conditions. ClinVar contains an entry for this variant (Variation ID: 903979). Algorithms developed to predict the effect of missense changes on protein structure and function are either unavailable or do not agree on the potential impact of this missense change (SIFT: "Deleterious"; PolyPhen-2: "Possibly Damaging"; Align-GVGD: "Class C15"). In summary, the available evidence is currently insufficient to determine the role of this variant in disease. Therefore, it has been classified as a Variant of Uncertain Significance.

Illumina Laboratory Services, Illumina
Classification: Uncertain significance for Diastrophic dysplasia. Last evaluated: 2018-01-13. Review status: criteria provided, single submitter. Criteria: ICSL Variant Classification Criteria 13 December 2019. Collection method: clinical testing. Allele origin: germline.

Illumina Laboratory Services, Illumina
Classification: Uncertain significance for Achondrogenesis, type IB. Last evaluated: 2018-01-13. Review status: criteria provided, single submitter. Criteria: ICSL Variant Classification Criteria 13 December 2019. Collection method: clinical testing. Allele origin: germline.

Illumina Laboratory Services, Illumina
Classification: Uncertain significance for Multiple epiphyseal dysplasia type 4. Last evaluated: 2018-01-13. Review status: criteria provided, single submitter. Criteria: ICSL Variant Classification Criteria 13 December 2019. Collection method: clinical testing. Allele origin: germline.

Illumina Laboratory Services, Illumina
Classification: Uncertain significance for Atelosteogenesis type II. Last evaluated: 2018-01-13. Review status: criteria provided, single submitter. Criteria: ICSL Variant Classification Criteria 13 December 2019. Collection method: clinical testing. Allele origin: germline.

Illumina Laboratory Services, Illumina
Classification: Uncertain significance for Osteochondrodysplasia. Last evaluated: 2018-01-13. Review status: criteria provided, single submitter. Criteria: ICSL Variant Classification Criteria 13 December 2019. Collection method: clinical testing. Allele origin: germline.